The following is an entry in ClinVar:

ClinVar aggregate classification (germline): Likely pathogenic (1 of 4 stars; one submission).

Conditions:
KBG syndrome (KBGS). Also called: ANKRD11-Related KBG Syndrome. Identifiers: Orphanet 2332, MedGen C0220687, MONDO:0007846, OMIM 148050.

Submission:

Laboratorio de Genetica e Diagnostico Molecular, Hospital Israelita Albert Einstein
Classification: Likely pathogenic for KBG syndrome. Last evaluated: 2025-03-10. Review status: criteria provided, single submitter. Criteria: ACMG Guidelines, 2015. Collection method: clinical testing. Allele origin: germline. Affected: yes.
Comment: ACMG classification criteria: PVS1 very strong, PM2 supporting

NM_013275.6(ANKRD11):c.5079dup (p.Arg1694fs)

Gene: ANKRD11 (ankyrin repeat domain 11; minus strand). Cytogenetic location: 16q24.3.
Variant type: Duplication.
Coding change: c.5079dup on transcript NM_013275.6 (MANE Select); coding-DNA position 5079, one base duplicated (C; older notation c.5079dupC).
Protein change: p.Arg1694fs; shifts the reading frame from arginine 1694.
Molecular consequence: frameshift variant.
Genome position (GRCh38, 1-based): chr16:89,281,463, G duplicated on the plus strand (C on the coding strand, the reverse complement: ANKRD11 is on the minus strand); the first of 5 consecutive G bases (chr16:89,281,463-89,281,467); duplicating any one gives the same sequence. VCF-style (leftmost placement, unchanged base first): chr16-89281462-T-TG. GRCh37 (hg19) VCF-style: chr16-89347870-T-TG.
Other names: c.5079dup, p.Arg1694fs (NM_001256182.2, NM_001256183.2); short protein forms R1694fs.
Identifiers: ClinVar variation 3901037 (VCV003901037.1).